The following is an entry in ClinVar:

ClinVar aggregate classification (germline): Uncertain significance (1 of 4 stars; one submission).

Conditions:
Ullrich congenital muscular dystrophy 2 (UCMD2). Identifiers: Orphanet 75840, MedGen C4225314, MONDO:0014654, OMIM 616470.
Bethlem myopathy 2 (BTHLM2). Identifiers: Orphanet 536516, Orphanet 610, MedGen C4225313, MONDO:0034022, OMIM 616471.

Submission:

Labcorp Genetics (formerly Invitae), Labcorp
Classification: Uncertain significance for Bethlem myopathy 2; Ullrich congenital muscular dystrophy 2. Last evaluated: 2024-05-31. Review status: criteria provided, single submitter. Criteria: Invitae Variant Classification Sherloc (09022015). Collection method: clinical testing. Allele origin: germline.
Comment: This sequence change replaces valine, which is neutral and non-polar, with glycine, which is neutral and non-polar, at codon 1485 of the COL12A1 protein (p.Val1485Gly). This variant is not present in population databases (gnomAD no frequency). This variant has not been reported in the literature in individuals affected with COL12A1-related conditions. Advanced modeling of protein sequence and biophysical properties (such as structural, functional, and spatial information, amino acid conservation, physicochemical variation, residue mobility, and thermodynamic stability) performed at Invitae indicates that this missense variant is not expected to disrupt COL12A1 protein function with a negative predictive value of 80%. In summary, the available evidence is currently insufficient to determine the role of this variant in disease. Therefore, it has been classified as a Variant of Uncertain Significance.

NM_004370.6(COL12A1):c.4454T>G (p.Val1485Gly)

Gene: COL12A1 (collagen type XII alpha 1 chain; minus strand). Cytogenetic location: 6q13.
Variant type: single nucleotide variant.
Coding change: c.4454T>G on transcript NM_004370.6 (MANE Select); coding-DNA position 4454, T replaced by G.
Protein change: p.Val1485Gly; replaces valine 1485 with glycine.
Molecular consequence: missense variant.
Genome position (GRCh38, 1-based): chr6:75,146,208, A>C on the plus strand (T>G on the coding strand, the complement: COL12A1 is on the minus strand). VCF-style: chr6-75146208-A-C. GRCh37 (hg19) VCF-style: chr6-75855924-A-C.
Other names: c.4454T>G, p.Val1485Gly (NM_001424114.1, NM_001424113.1); c.4181T>G, p.Val1394Gly (NM_001424115.1); c.962T>G, p.Val321Gly (NM_001424116.1, NM_080645.3); short protein forms V1394G, V1485G, V321G.
Identifiers: ClinVar variation 3756617 (VCV003756617.2).